The following is an entry in ClinVar:

ClinVar aggregate classification (germline): Uncertain significance (3 of 4 stars; one submission).

Conditions:
Open-angle glaucoma. Identifiers: MedGen C0017612, MONDO:0005338, HP:0012108.

Submission:

ClinGen Glaucoma Variant Curation Expert Panel
Classification: Uncertain significance for Open-angle glaucoma. Last evaluated: 2026-01-12. Review status: reviewed by expert panel. Criteria: ClinGen Glaucoma ACMG Specifications V2.0.0 Approved. Collection method: curation. Allele origin: germline. Inheritance: Autosomal dominant inheritance.
Comment: The c.1492G>C variant in MYOC is a missense variant predicted to cause substitution of Aspartate by Histidine at amino acid 498 (p.Asp498His). This variant was not found in any genetic ancestry group of gnomAD (v4.1.0), meeting the ≤ 0.0001 threshold set for PM2_Supporting in a genetic ancestry group of at least 10,000 alleles. The REVEL score = 0.656, which was within the 0.644-0.772 range for PP3, predicting a damaging effect on MYOC function. There was no functional evidence predicting a damaging or benign impact of this variant on MYOC function. This variant has not yet been identified in a proband with juvenile or primary open angle glaucoma, only in a participant of the control cohort. In summary, this variant met the criteria to receive a score of 2 and to be classified as a variant of uncertain significance (uncertain significance classification range -1 to 5, adapted from PMID: 32720330) for primary open angle glaucoma based on the ACMG/AMP criteria met, as specified by the ClinGen Glaucoma VCEP (v2.0.0, 5 Dec 2024): PP3, PM2_Supporting.

NM_000261.2(MYOC):c.1492G>C (p.Asp498His)

Gene: MYOC (myocilin; minus strand). Cytogenetic location: 1q24.3.
Variant type: single nucleotide variant.
Coding change: c.1492G>C on transcript NM_000261.2 (MANE Select); coding-DNA position 1492, G replaced by C.
Protein change: p.Asp498His; replaces aspartic acid 498 with histidine.
Molecular consequence: missense variant.
Genome position (GRCh38, 1-based): chr1:171,635,948, C>G on the plus strand (G>C on the coding strand, the complement: MYOC is on the minus strand). VCF-style: chr1-171635948-C-G. GRCh37 (hg19) VCF-style: chr1-171605088-C-G.
Other names: NM_000261.2:c.1492G>C; short protein forms D498H.
Identifiers: ClinVar variation 2498108 (VCV002498108.2), dbSNP rs2527837951, ClinGen allele CA343722865.